The following is an entry in ClinVar:

ClinVar aggregate classification (germline): Uncertain significance (1 of 4 stars; one submission).

Submission:

Mayo Clinic Laboratories, Mayo Clinic
Classification: Uncertain significance. Last evaluated: 2025-09-09. Review status: criteria provided, single submitter. Criteria: ACMG Guidelines, 2015. Collection method: clinical testing. Allele origin: germline. Observed: 2 variant alleles.
Comment: BP4_moderate, PM2_supporting

NM_001365276.2(TNXB):c.10856C>G (p.Pro3619Arg)

Genes: TNXB (tenascin XB; minus strand), LOC106780803 (tenascin XB recombination region; plus strand). Cytogenetic location: 6p21.33.
Variant type: single nucleotide variant.
Coding change: c.10856C>G on transcript NM_001365276.2 (MANE Select); coding-DNA position 10856, C replaced by G.
Protein change: p.Pro3619Arg; replaces proline 3619 with arginine.
Molecular consequence: missense variant.
Genome position (GRCh38, 1-based): chr6:32,045,077, G>C on the plus strand (C>G on the coding strand, the complement: TNXB is on the minus strand). VCF-style: chr6-32045077-G-C. GRCh37 (hg19) VCF-style: chr6-32012854-G-C.
Other names: p.Pro3617Arg; c.11597C>G, p.Pro3866Arg (NM_001428335.1); c.10850C>G, p.Pro3617Arg (NM_019105.8); c.143C>G, p.Pro48Arg (NM_032470.4); short protein forms P3617R, P3619R, P3866R, P48R.
Identifiers: ClinVar variation 3379663 (VCV003379663.2).